The following is an entry in ClinVar:

ClinVar aggregate classification (germline): Uncertain significance (1 of 4 stars; one submission).

Submission:

Dasa
Classification: Uncertain significance. Last evaluated: 2026-03-02. Review status: criteria provided, single submitter. Criteria: DASA Assertion Criteria. Collection method: clinical testing. Allele origin: germline.
Comment: NM_133433.4(NIPBL):c.2218G>C (p.Gly740Arg) is a missense variant that results in the substitution of glycine with arginine. This variant is rare in population databases. The currently available literature and clinical evidence are not sufficient to establish a definitive association between this variant and the reported condition. Therefore, this variant is classified as a variant of uncertain significance.

NM_133433.4(NIPBL):c.2218G>C (p.Gly740Arg)

Gene: NIPBL (NIPBL cohesin loading factor; plus strand). Cytogenetic location: 5p13.2.
Variant type: single nucleotide variant.
Coding change: c.2218G>C on transcript NM_133433.4 (MANE Select); coding-DNA position 2218, G replaced by C.
Protein change: p.Gly740Arg; replaces glycine 740 with arginine.
Molecular consequence: missense variant.
Genome position (GRCh38, 1-based): chr5:36,985,398, G>C. VCF-style: chr5-36985398-G-C. GRCh37 (hg19) VCF-style: chr5-36985500-G-C.
Other names: c.2218G>C, p.Gly740Arg (NM_001438586.1, NM_015384.5); short protein forms G740R.
Identifiers: ClinVar variation 4886736 (VCV004886736.2).